The following is an entry in ClinVar:

ClinVar aggregate classification (germline): Uncertain significance. Review status: criteria provided, multiple submitters, no conflicts (2 of 4 stars). 3 submissions from 3 submitters: Uncertain significance (3). Last evaluated 2026-05-07.

Conditions:
Carney-Stratakis syndrome. Also called: PARAGANGLIOMA AND GASTROINTESTINAL STROMAL TUMOR. Identifiers: Orphanet 97286, MedGen C1847319, MONDO:0011740, OMIM 606864.
Pheochromocytoma/paraganglioma syndrome 1. Also called: Paragangliomas familial 1; PARAGANGLIOMATA; PARAGANGLIOMAS, FAMILIAL NONCHROMAFFIN, 1; PGL 1; Paragangliomas 1; Glomus tumors familial 1. Identifiers: Orphanet 29072, MedGen C3494181, MONDO:0008192, OMIM 168000.
Mitochondrial complex 2 deficiency, nuclear type 3. Also called: MITOCHONDRIAL COMPLEX II DEFICIENCY, NUCLEAR TYPE 3. Identifiers: MedGen C5436934, MONDO:0030937, OMIM 619167.
Pheochromocytoma. Also called: MAX-Related Hereditary Paraganglioma-Pheochromocytoma Syndrome. Identifiers: Orphanet 29072, MedGen C0031511, MONDO:0008233, OMIM 171300, HP:0002666.
Cowden syndrome 3 (CWS3). Identifiers: Orphanet 201, MedGen CN166604, MONDO:0014045.
Paragangliomas with sensorineural hearing loss. Identifiers: MedGen C1868633.
Hereditary cancer-predisposing syndrome. Also called: Tumor predisposition; Neoplastic Syndromes, Hereditary; Hereditary Cancer Syndrome; Hereditary neoplastic syndrome. Identifiers: Orphanet 140162, MedGen C0027672, MeSH D009386, MONDO:0015356.

Allele frequency attached by ClinVar (database versions not stated): gnomAD 0.00001.
gnomAD v4.1: 6 of 1,611,286 alleles (0.00037%); highest among the groups gnomAD compares: Non-Finnish European, 0.00051%; no homozygotes.

Submissions (3):

Ambry Genetics
Classification: Uncertain significance for Hereditary cancer-predisposing syndrome. Last evaluated: 2026-05-07. Review status: criteria provided, single submitter. Criteria: Ambry Variant Classification Scheme 2023. Collection method: clinical testing. Allele origin: germline.
Comment: The p.Y144C variant (also known as c.431A>G), located in coding exon 4 of the SDHD gene, results from an A to G substitution at nucleotide position 431. The tyrosine at codon 144 is replaced by cysteine, an amino acid with highly dissimilar properties. This amino acid position is highly conserved in available vertebrate species. In addition, this alteration is predicted to be deleterious by in silico analysis. Based on the available evidence, the clinical significance of this variant remains unclear.

Labcorp Genetics (formerly Invitae), Labcorp
Classification: Uncertain significance for Carney-Stratakis syndrome; Paragangliomas with sensorineural hearing loss; Pheochromocytoma; Cowden syndrome 3. Last evaluated: 2025-10-18. Review status: criteria provided, single submitter. Criteria: Invitae Variant Classification Sherloc (09022015). Collection method: clinical testing. Allele origin: germline.
Comment: This sequence change replaces tyrosine, which is neutral and polar, with cysteine, which is neutral and slightly polar, at codon 144 of the SDHD protein (p.Tyr144Cys). This variant is not present in population databases (gnomAD no frequency). This variant has not been reported in the literature in individuals affected with SDHD-related conditions. ClinVar contains an entry for this variant (Variation ID: 1444211). Invitae Evidence Modeling of protein sequence and biophysical properties (such as structural, functional, and spatial information, amino acid conservation, physicochemical variation, residue mobility, and thermodynamic stability) indicates that this missense variant is expected to disrupt SDHD protein function with a positive predictive value of 95%. In summary, the available evidence is currently insufficient to determine the role of this variant in disease. Therefore, it has been classified as a Variant of Uncertain Significance.

Fulgent Genetics
Classification: Uncertain significance for Pheochromocytoma/paraganglioma syndrome 1; Carney-Stratakis syndrome; Mitochondrial complex 2 deficiency, nuclear type 3. Last evaluated: 2024-01-04. Review status: criteria provided, single submitter. Criteria: ACMG Guidelines, 2015. Collection method: clinical testing. Allele origin: germline.

NM_003002.4(SDHD):c.431A>G (p.Tyr144Cys)

Gene: SDHD (succinate dehydrogenase complex subunit D; plus strand). Cytogenetic location: 11q23.1.
Variant type: single nucleotide variant.
Coding change: c.431A>G on transcript NM_003002.4 (MANE Select); coding-DNA position 431, A replaced by G.
Protein change: p.Tyr144Cys; replaces tyrosine 144 with cysteine.
Molecular consequence: missense variant. On other transcripts: 3 prime UTR variant (2), non-coding transcript variant (1).
Genome position (GRCh38, 1-based): chr11:112,094,921, A>G. VCF-style: chr11-112094921-A-G. GRCh37 (hg19) VCF-style: chr11-111965645-A-G.
Other names: c.*28A>G (NM_001276503.2); c.314A>G, p.Tyr105Cys (NM_001276504.2); c.*129A>G (NM_001276506.2); c.431A>G (NM_003002.2); short protein forms Y105C, Y144C.
Identifiers: ClinVar variation 1444211 (VCV001444211.11), dbSNP rs745732631, ClinGen allele CA382619384.